The following is an entry in ClinVar:

ClinVar aggregate classification (germline): Uncertain significance. Review status: criteria provided, multiple submitters, no conflicts (2 of 4 stars). 2 submissions from 2 submitters: Uncertain significance (2). Last evaluated 2018-10-13.

Conditions:
Breast-ovarian cancer, familial, susceptibility to, 2 (BROVCA2). Also called: BRCA2 Hereditary Breast and Ovarian Cancer. Identifiers: Orphanet 145, MedGen C2675520, MONDO:0012933, OMIM 612555. Disease mechanism: loss of function.
Hereditary breast ovarian cancer syndrome. Also called: Hereditary breast and/or ovarian cancer syndrome; Hereditary breast and ovarian cancer syndrome (HBOC); Breast and ovarian cancer; Hereditary breast and ovarian cancer; BRCA1- and BRCA2-Associated Hereditary Breast and Ovarian Cancer; Hereditary breast and ovarian cancer syndrome. Identifiers: Orphanet 145, MedGen C0677776, MeSH D061325, MONDO:0003582. Disease mechanism: loss of function.

Submissions (2):

Labcorp Genetics (formerly Invitae), Labcorp
Classification: Uncertain significance for Hereditary breast ovarian cancer syndrome. Last evaluated: 2018-10-13. Review status: criteria provided, single submitter. Criteria: Invitae Variant Classification Sherloc (09022015). Collection method: clinical testing. Allele origin: germline.
Comment: In summary, the available evidence is currently insufficient to determine the role of this variant in disease. Therefore, it has been classified as a Variant of Uncertain Significance. Experimental studies and prediction algorithms are not available for this variant, and the functional significance of the affected amino acid(s) is currently unknown. This variant has not been reported in the literature in individuals with BRCA2-related disease. ClinVar contains an entry for this variant (Variation ID: 225739). This variant is not present in population databases (ExAC no frequency). This variant, c.2184_2195dupTATAAAAGAAGA, results in the insertion of 4 amino acid(s) to the BRCA2 protein (p.Asp728_Glu731dup), but otherwise preserves the integrity of the reading frame.

Molecular Genetics Laboratory, University of Michigan
Classification: Uncertain significance for Breast-ovarian cancer, familial, susceptibility to, 2. Last evaluated: 2016-04-21. Review status: criteria provided, single submitter. Criteria: ACMG Guidelines, 2015. Collection method: clinical testing. Allele origin: germline. Affected: yes.

NM_000059.4(BRCA2):c.2184_2195dup (p.Asp728_Glu731dup)

Gene: BRCA2 (BRCA2 DNA repair associated; plus strand). Cytogenetic location: 13q13.1.
Variant type: Duplication.
Coding change: c.2184_2195dup on transcript NM_000059.4 (MANE Select); coding-DNA positions 2184 to 2195, 12 bases duplicated (TATAAAAGAAGA).
Protein change: p.Asp728_Glu731dup.
Molecular consequence: inframe insertion.
Genome position (GRCh38, 1-based): chr13:32,336,539-32,336,550, TATAAAAGAAGA duplicated; duplicating any 12 consecutive bases within chr13:32,336,536-32,336,550 gives the same sequence; the c. name uses the placement nearest the transcript's 3' end. VCF-style (leftmost placement, unchanged base first): chr13-32336535-C-CAGATATAAAAGA. GRCh37 (hg19) VCF-style: chr13-32910672-C-CAGATATAAAAGA.
Identifiers: ClinVar variation 225739 (VCV000225739.10), dbSNP rs869320792, ClinGen allele CA10576063.